The following is an entry in ClinVar:

ClinVar aggregate classification (germline): Pathogenic (1 of 4 stars; one submission).

Conditions:
Primary ciliary dyskinesia 3. Identifiers: Orphanet 244, MedGen C1837618, MONDO:0012085, OMIM 608644.

Submission:

Myriad Genetics, Inc.
Classification: Pathogenic for Primary ciliary dyskinesia 3. Last evaluated: 2024-05-14. Review status: criteria provided, single submitter. Criteria: Myriad Autosomal Dominant, Autosomal Recessive and X-Linked Classification Criteria (2023). Collection method: clinical testing. Allele origin: unknown.
Comment: NM_001369.2(DNAH5):c.1715_1717del3ins11(L572Cfs*10) is expected to be pathogenic in the context of primary ciliary dyskinesia, DNAH5-related. This variant is predicted to lead to an abnormal or absent protein product due to the creation of a premature termination codon in DNAH5, a gene where loss-of-function variants are known to be pathogenic. Please note: this variant was assessed in the context of healthy population screening.

NM_001369.3(DNAH5):c.1715_1717delinsGTATAAGAGAC (p.Leu572fs)

Gene: DNAH5 (dynein axonemal heavy chain 5; minus strand). Cytogenetic location: 5p15.2.
Variant type: Indel.
Coding change: c.1715_1717delinsGTATAAGAGAC on transcript NM_001369.3 (MANE Select); coding-DNA positions 1715 to 1717, TGA replaced by GTATAAGAGAC.
Protein change: p.Leu572fs; shifts the reading frame from leucine 572.
Molecular consequence: frameshift variant.
Genome position (GRCh38, 1-based): chr5:13,902,066-13,902,068, TCA replaced by GTCTCTTATAC on the plus strand (TGA replaced by GTATAAGAGAC on the coding strand, the reverse complement: DNAH5 is on the minus strand). VCF-style: chr5-13902066-TCA-GTCTCTTATAC. GRCh37 (hg19) VCF-style: chr5-13902175-TCA-GTCTCTTATAC.
Other names: short protein forms L572fs.
Identifiers: ClinVar variation 5016427 (VCV005016427.1).